The following is an entry in ClinVar:

NM_001257096.2(PAX1):c.1019T>C (p.Leu340Pro)

Gene: PAX1 (paired box 1; plus strand). Cytogenetic location: 20p11.22.
Variant type: single nucleotide variant.
Coding change: c.1019T>C on transcript NM_001257096.2 (MANE Select); coding-DNA position 1019, T replaced by C.
Protein change: p.Leu340Pro; replaces leucine 340 with proline.
Molecular consequence: missense variant.
Genome position (GRCh38, 1-based): chr20:21,708,660, T>C. VCF-style: chr20-21708660-T-C. GRCh37 (hg19) VCF-style: chr20-21689298-T-C.
Other names: c.1019T>C, p.Leu340Pro (NM_006192.5); short protein forms L340P.
Identifiers: ClinVar variation 2125226 (VCV002125226.3), dbSNP rs2514804454, ClinGen allele CA408499192.

ClinVar aggregate classification (germline): Uncertain significance (1 of 4 stars; one submission).

Submission:

Labcorp Genetics (formerly Invitae), Labcorp
Classification: Uncertain significance. Last evaluated: 2022-04-20. Review status: criteria provided, single submitter. Criteria: Invitae Variant Classification Sherloc (09022015). Collection method: clinical testing. Allele origin: germline.
Comment: In summary, the available evidence is currently insufficient to determine the role of this variant in disease. Therefore, it has been classified as a Variant of Uncertain Significance. Algorithms developed to predict the effect of missense changes on protein structure and function are either unavailable or do not agree on the potential impact of this missense change (SIFT: "Deleterious"; PolyPhen-2: "Possibly Damaging"; Align-GVGD: "Class C0"). This variant has not been reported in the literature in individuals affected with PAX1-related conditions. This variant is not present in population databases (gnomAD no frequency). This sequence change replaces leucine, which is neutral and non-polar, with proline, which is neutral and non-polar, at codon 340 of the PAX1 protein (p.Leu340Pro).